The following is an entry in ClinVar:

NM_000057.4(BLM):c.3874G>A (p.Ala1292Thr)

Gene: BLM (BLM RecQ like helicase; plus strand). Cytogenetic location: 15q26.1.
Variant type: single nucleotide variant.
Coding change: c.3874G>A on transcript NM_000057.4 (MANE Select); coding-DNA position 3874, G replaced by A.
Protein change: p.Ala1292Thr; replaces alanine 1292 with threonine.
Molecular consequence: missense variant.
Genome position (GRCh38, 1-based): chr15:90,809,259, G>A. VCF-style: chr15-90809259-G-A. GRCh37 (hg19) VCF-style: chr15-91352489-G-A.
Other names: c.3874G>A, p.Ala1292Thr (NM_001287246.2); c.3481G>A, p.Ala1161Thr (NM_001287247.2); c.2749G>A, p.Ala917Thr (NM_001287248.2); c.3874G>A (NM_000057.3); short protein forms A1292T, A917T, A1161T.
Identifiers: ClinVar variation 824326 (VCV000824326.16), dbSNP rs757641454, ClinGen allele CA7739125.
Genomic context (GRCh38, chr15:90,809,259, plus strand): 5'-GAAAAATATGGTGCGGAAGTGATTTCAGTATTACAGAAATACTCTGAATGGACATCGCCA[G>A]GTTAGTACACAGCCATGTGTGTTCTCTAAAAGCCTGTTTAATGTGAAGCGACGCGTCTCA-3'
Protein context (NP_000048.1, residues 1282-1302): LQKYSEWTSP[Ala1292Thr]EDSSPGISLS

ClinVar aggregate classification (germline): Uncertain significance. Review status: criteria provided, multiple submitters, no conflicts (2 of 4 stars). 6 submissions from 6 submitters: Uncertain significance (5). 1 of the submissions does not count toward it. Last evaluated 2026-01-28.

Conditions:
Hereditary cancer-predisposing syndrome. Also called: Neoplastic Syndromes, Hereditary; Hereditary Cancer Syndrome; Tumor predisposition; Hereditary neoplastic syndrome. Identifiers: Orphanet 140162, MedGen C0027672, MeSH D009386, MONDO:0015356.
Bloom syndrome (BLM). Also called: Bloom-Torre-Machacek syndrome. Identifiers: Orphanet 125, MedGen C0005859, MONDO:0008876, OMIM 210900.
Hereditary breast ovarian cancer syndrome. Also called: BRCA1- and BRCA2-Associated Hereditary Breast and Ovarian Cancer; Hereditary breast and ovarian cancer syndrome; Hereditary breast and ovarian cancer syndrome (HBOC); Hereditary breast and ovarian cancer; Breast and ovarian cancer; Hereditary breast and/or ovarian cancer syndrome. Identifiers: Orphanet 145, MedGen C0677776, MeSH D061325, MONDO:0003582. Disease mechanism: loss of function.

Allele frequency attached by ClinVar (database versions not stated): gnomAD 0.00001; gnomAD exomes 0.00001 and 0.00002; ExAC 0.00002; TOPMed 0.00002.
gnomAD v4.1: 15 of 1,614,090 alleles (0.00093%); highest among the groups gnomAD compares: East Asian, 0.033%; no homozygotes.

Submissions (6):

Myriad Genetics, Inc.
Classification: Uncertain significance for Bloom syndrome. Last evaluated: 2026-01-28. Review status: criteria provided, single submitter. Criteria: Myriad Autosomal Dominant, Autosomal Recessive and X-Linked Classification Criteria (2023). Collection method: clinical testing. Allele origin: unknown.
Comment: NM_000057.3(BLM):c.3874G>A(A1292T) is a missense variant classified as a variant of uncertain significance in the context of Bloom syndrome. A1292T has not been observed in cases with relevant disease. Relevant functional assessments of this variant are not available in the literature. A1292T has been observed in referenced population frequency databases. In summary, there is insufficient evidence to classify NM_000057.3(BLM):c.3874G>A(A1292T) as pathogenic or benign. Please note: this variant was assessed in the context of healthy population screening.

Quest Diagnostics Nichols Institute San Juan Capistrano
Classification: Uncertain significance. Last evaluated: 2025-07-02. Review status: criteria provided, single submitter. Criteria: Quest Diagnostics criteria. Collection method: clinical testing. Allele origin: unknown.
Comment: The BLM c.3874G>A (p.Ala1292Thr) variant has not been reported in individuals with BLM-related conditions in the published literature. The frequency of this variant in the general population (Genome Aggregation Database) is uninformative in the assessment of its pathogenicity. Analysis of this variant using bioinformatics tools for the prediction of the effect of amino acid changes on protein structure and function yielded conflicting predictions that this variant is deleterious or benign. Based on the available information, we are unable to determine the clinical significance of this variant.

Labcorp Genetics (formerly Invitae), Labcorp
Classification: Uncertain significance for Bloom syndrome. Last evaluated: 2025-01-24. Review status: criteria provided, single submitter. Criteria: Invitae Variant Classification Sherloc (09022015). Collection method: clinical testing. Allele origin: germline.
Comment: This sequence change replaces alanine, which is neutral and non-polar, with threonine, which is neutral and polar, at codon 1292 of the BLM protein (p.Ala1292Thr). This variant also falls at the last nucleotide of exon 20, which is part of the consensus splice site for this exon. This variant is present in population databases (rs757641454, gnomAD 0.03%). This variant has not been reported in the literature in individuals affected with BLM-related conditions. ClinVar contains an entry for this variant (Variation ID: 824326). An algorithm developed to predict the effect of missense changes on protein structure and function (PolyPhen-2) suggests that this variant¬†is likely to be tolerated. Variants that disrupt the consensus splice site are a relatively common cause of aberrant splicing (PMID: 17576681, 9536098). Studies have shown that this missense change is associated with inconclusive levels of altered splicing (internal data). In summary, the available evidence is currently insufficient to determine the role of this variant in disease. Therefore, it has been classified as a Variant of Uncertain Significance.

Ambry Genetics
Classification: Uncertain significance for Hereditary cancer-predisposing syndrome. Last evaluated: 2024-11-22. Review status: criteria provided, single submitter. Criteria: Ambry Variant Classification Scheme 2023. Collection method: clinical testing. Allele origin: germline.
Comment: The p.A1292T variant (also known as c.3874G>A), located in coding exon 19 of the BLM gene, results from a G to A substitution at nucleotide position 3874. The alanine at codon 1292 is replaced by threonine, an amino acid with similar properties. However, this change occurs in the last base pair of coding exon 19 and may have some effect on normal mRNA splicing. This nucleotide position is highly conserved in available vertebrate species. In silico splice site analysis predicts that this alteration may weaken the native splice donor site. This amino acid position is highly conserved in available vertebrate species. In addition, as a missense substitution this is predicted to be tolerated by in silico analysis. Based on the available evidence, the clinical significance of this variant remains unclear.

Cancer Genomics Group, Japanese Foundation For Cancer Research
Classification: Uncertain significance for Hereditary breast and ovarian cancer syndrome. Last evaluated: 2019-05-01. Review status: criteria provided, single submitter. Criteria: ACMG Guidelines, 2015. Collection method: research. Allele origin: germline. Affected: yes.

Natera, Inc.
Classification: Uncertain significance for Bloom syndrome. Last evaluated: 2020-11-16. Review status: no assertion criteria provided. Collection method: clinical testing. Allele origin: germline. Not counted in ClinVar's aggregate classification.

Literature cited by the submitters: PubMed 17576681 (cited by Labcorp Genetics (formerly Invitae), Labcorp); PubMed 9536098 (cited by Labcorp Genetics (formerly Invitae), Labcorp).